The following is an entry in ClinVar:

NM_002474.3(MYH11):c.955G>C (p.Ala319Pro)

Gene: MYH11 (myosin heavy chain 11; minus strand). Cytogenetic location: 16p13.11.
Variant type: single nucleotide variant.
Coding change: c.955G>C on transcript NM_002474.3 (MANE Select); coding-DNA position 955, G replaced by C.
Protein change: p.Ala319Pro; replaces alanine 319 with proline.
Molecular consequence: missense variant.
Genome position (GRCh38, 1-based): chr16:15,771,647, C>G on the plus strand (G>C on the coding strand, the complement: MYH11 is on the minus strand). VCF-style: chr16-15771647-C-G. GRCh37 (hg19) VCF-style: chr16-15865504-C-G.
Other names: c.976G>C, p.Ala326Pro (NM_001040113.2, NM_001040114.2); c.955G>C, p.Ala319Pro (NM_022844.3); short protein forms A319P, A326P.
Identifiers: ClinVar variation 3387248 (VCV003387248.1).
Genomic context (GRCh38, chr16:15,771,647, plus strand): 5'-TGAAACCCATGATTGCCATGGCCTCCACGGTTTCCTGGAACATCTCATCATCCTGGGCTG[C>G]TGGGATGGGCACAAAGCCATTGGAGAGGAAGGTGTAGTTGTTGAAGCCCTCCAAAAGCAA-3'
Protein context (NP_002465.1, residues 309-329): FLSNGFVPIP[Ala319Pro]AQDDEMFQET

ClinVar aggregate classification (germline): Uncertain significance (1 of 4 stars; one submission).

Conditions:
Familial thoracic aortic aneurysm and aortic dissection (TAAD). Also called: Thoracic aortic aneurysms and dissections. Identifiers: Orphanet 91387, MedGen C4707243, MONDO:0019625.

Submission:

All of Us Research Program, National Institutes of Health
Classification: Uncertain significance for Familial thoracic aortic aneurysm and aortic dissection. Last evaluated: 2024-08-13. Review status: criteria provided, single submitter. Criteria: ACMG Guidelines, 2015. Collection method: clinical testing. Allele origin: germline. Inheritance: Autosomal dominant inheritance. Observed: 1 variant allele, 1 heterozygote.
Comment: This missense variant replaces alanine with proline at codon 326 of the MYH11 protein. Computational prediction is inconclusive regarding the impact of this variant on protein structure and function (internally defined REVEL score threshold 0.5 < inconclusive < 0.7, PMID: 27666373). To our knowledge, functional studies have not been reported for this variant. This variant has not been reported in individuals affected with MYH11-related disorders in the literature. This variant has not been identified in the general population by the Genome Aggregation Database (gnomAD). The available evidence is insufficient to determine the role of this variant in disease conclusively. Therefore, this variant is classified as a Variant of Uncertain Significance.

This study involves interpretation of variants in research participants for the purpose of population health screening. Participant phenotype was not available at the time of variant classification. Additional details can be found in publication PMID: 35346344, PMCID: PMC8962531